The following is an entry in ClinVar:

NM_017946.4(FKBP14):c.350-8C>T

Genes: FKBP14 (FKBP prolyl isomerase 14; minus strand), FKBP14-AS1 (FKBP14 antisense RNA 1; plus strand). Cytogenetic location: 7p14.3.
Variant type: single nucleotide variant.
Coding change: c.350-8C>T on transcript NM_017946.4 (MANE Select); 8 bases into the intron before coding-DNA position 350, C replaced by T.
Molecular consequence: intron variant.
Genome position (GRCh38, 1-based): chr7:30,019,131, G>A on the plus strand (C>T on the coding strand, the complement: FKBP14 is on the minus strand). VCF-style: chr7-30019131-G-A. GRCh37 (hg19) VCF-style: chr7-30058747-G-A.
Identifiers: ClinVar variation 473002 (VCV000473002.37), dbSNP rs368867118, ClinGen allele CA4203424.

ClinVar aggregate classification (germline): Likely benign. Review status: criteria provided, multiple submitters, no conflicts (2 of 4 stars). 5 submissions from 5 submitters: Likely benign (4). 1 of the submissions does not count toward it. Last evaluated 2026-03-27.

Conditions:
Ehlers-Danlos syndrome, kyphoscoliotic type, 2. Also called: FKBP14-Kyphoscoliotic Ehlers-Danlos Syndrome; Ehlers-Danlos syndrome, kyphoscoliotic and deafness type; Ehlers-Danlos syndrome with progressive kyphoscoliosis, myopathy, and hearing loss. Identifiers: Orphanet 300179, MedGen C3281160, MONDO:0013800, OMIM 614557.
FKBP14-related disorder. Also called: FKBP14-related condition.

Allele frequency attached by ClinVar (database versions not stated): ExAC 0.00005; gnomAD exomes 0.00005; ESP Exome Variant Server 0.00008; gnomAD 0.00027 and 0.00028; TOPMed 0.00027.
gnomAD v4.1: 76 of 1,561,346 alleles (0.0049%); highest among the groups gnomAD compares: African/African-American, 0.098%; no homozygotes.

Submissions (5):

Molecular Diagnostic Laboratory for Inherited Cardiovascular Disease, Montreal Heart Institute
Classification: Likely benign. Last evaluated: 2026-03-27. Review status: criteria provided, single submitter. Criteria: ACMG Guidelines, 2015. Collection method: clinical testing. Allele origin: germline. Affected: no.
Comment: BP4

Labcorp Genetics (formerly Invitae), Labcorp
Classification: Likely benign for Ehlers-Danlos syndrome, kyphoscoliotic type, 2. Last evaluated: 2025-12-24. Review status: criteria provided, single submitter. Criteria: Invitae Variant Classification Sherloc (09022015). Collection method: clinical testing. Allele origin: germline.

CeGaT Center for Human Genetics Tuebingen
Classification: Likely benign. Last evaluated: 2022-03-01. Review status: criteria provided, single submitter. Criteria: CeGaT Center For Human Genetics Tuebingen Variant Classification Criteria Version 2. Collection method: clinical testing. Allele origin: germline. Affected: yes. Observed: 1 variant allele.
Comment: FKBP14: BP4

GeneDx
Classification: Likely benign. Last evaluated: 2018-02-26. Review status: criteria provided, single submitter. Criteria: GeneDx Variant Classification (06012015). Collection method: clinical testing. Allele origin: germline. Affected: yes.
Comment: This variant is considered likely benign or benign based on one or more of the following criteria: it is a conservative change, it occurs at a poorly conserved position in the protein, it is predicted to be benign by multiple in silico algorithms, and/or has population frequency not consistent with disease.

PreventionGenetics, part of Exact Sciences
Classification: Likely benign for FKBP14-related condition. Last evaluated: 2023-03-28. Review status: no assertion criteria provided. Collection method: clinical testing. Allele origin: germline. Not counted in ClinVar's aggregate classification.
Comment: This variant is classified as likely benign based on ACMG/AMP sequence variant interpretation guidelines (Richards et al. 2015 PMID: 25741868, with internal and published modifications).